The following is an entry in ClinVar:

ClinVar aggregate classification (germline): Benign/Likely benign. Review status: criteria provided, multiple submitters, no conflicts (2 of 4 stars). 5 submissions from 5 submitters: Benign (3); Likely benign (2). Last evaluated 2026-02-02.

Conditions:
Cutis laxa with severe pulmonary, gastrointestinal and urinary anomalies. Also called: LTBP4-Related Cutis Laxa; URBAN-RIFKIN-DAVIS SYNDROME; Cutis laxa, autosomal recessive, type IC. Identifiers: Orphanet 221145, MedGen C2750804, MONDO:0013170, OMIM 613177. Disease mechanism: loss of function.

Allele frequency attached by ClinVar (database versions not stated): gnomAD exomes 0.00051 and 0.00099; ExAC 0.00167; ESP Exome Variant Server 0.00421; gnomAD 0.00440 and 0.00471; TOPMed 0.00487; 1000 Genomes Project 0.00539; 1000 Genomes Project 30x 0.00625.
gnomAD v4.1: 1,448 of 1,590,814 alleles (0.091%); highest among the groups gnomAD compares: African/African-American, 1.6%; 10 homozygotes.

Submissions (5):

Labcorp Genetics (formerly Invitae), Labcorp
Classification: Benign. Last evaluated: 2026-02-02. Review status: criteria provided, single submitter. Criteria: Invitae Variant Classification Sherloc (09022015). Collection method: clinical testing. Allele origin: germline.

Blueprint Genetics
Classification: Likely benign. Last evaluated: 2024-11-06. Review status: criteria provided, single submitter. Criteria: ACMG Guidelines, 2015. Collection method: clinical testing. Allele origin: germline.

GeneDx
Classification: Likely benign. Last evaluated: 2018-05-04. Review status: criteria provided, single submitter. Criteria: GeneDx Variant Classification Process June 2021. Collection method: clinical testing. Allele origin: germline. Affected: yes.

Illumina Laboratory Services, Illumina
Classification: Benign for Cutis laxa with severe pulmonary, gastrointestinal and urinary anomalies. Last evaluated: 2018-01-12. Review status: criteria provided, single submitter. Criteria: ICSL Variant Classification Criteria 13 December 2019. Collection method: clinical testing. Allele origin: germline.
Comment: This variant was observed in the ICSL laboratory as part of a predisposition screen in an ostensibly healthy population. It had not been previously curated by ICSL or reported in the Human Gene Mutation Database (HGMD: prior to June 1st, 2018), and was therefore a candidate for classification through an automated scoring system. Utilizing variant allele frequency, disease prevalence and penetrance estimates, and inheritance mode, an automated score was calculated to assess if this variant is too frequent to cause the disease. Based on the score and internal cut-off values, a variant classified as benign is not then subjected to further curation. The score for this variant resulted in a classification of benign for this disease.

Laboratory for Molecular Medicine, Mass General Brigham Personalized Medicine
Classification: Benign. Last evaluated: 2013-02-21. Review status: criteria provided, single submitter. Criteria: LMM Criteria. Collection method: clinical testing. Allele origin: germline. Observed: 1 variant allele.
Comment: 2500+9A>G in intron 18 of LTBP4: This variant is not expected to have clinical s ignificance because it is not located within the conserved splice consensus sequ ence. It has been identified in 1.3% (53/4192) of African American chromosomes f rom a broad population by the NHLBI Exome Sequencing Project (dbSNP rs73544980).

NM_003573.2(LTBP4):c.2389+9A>G

Gene: LTBP4 (latent transforming growth factor beta binding protein 4; plus strand). Cytogenetic location: 19q13.2.
Variant type: single nucleotide variant.
Coding change: c.2389+9A>G on transcript NM_003573.2; 9 bases into the intron after coding-DNA position 2389, A replaced by G.
Molecular consequence: intron variant.
Genome position (GRCh38, 1-based): chr19:40,612,201, A>G. VCF-style: chr19-40612201-A-G. GRCh37 (hg19) VCF-style: chr19-41118107-A-G.
Other names: c.2500+9A>G (NM_001042544.1); c.2299+9A>G (NM_001042545.2).
Identifiers: ClinVar variation 226721 (VCV000226721.19), dbSNP rs73544980, ClinGen allele CA9448609.